The following is an entry in ClinVar:

ClinVar aggregate classification (germline): Uncertain significance (1 of 4 stars; one submission).

Submission:

Labcorp Genetics (formerly Invitae), Labcorp
Classification: Uncertain significance. Last evaluated: 2023-10-13. Review status: criteria provided, single submitter. Criteria: Invitae Variant Classification Sherloc (09022015). Collection method: clinical testing. Allele origin: germline.
Comment: This sequence change replaces lysine, which is basic and polar, with glutamic acid, which is acidic and polar, at codon 494 of the ZNF408 protein (p.Lys494Glu). This variant is not present in population databases (gnomAD no frequency). This variant has not been reported in the literature in individuals affected with ZNF408-related conditions. ClinVar contains an entry for this variant (Variation ID: 2046639). An algorithm developed to predict the effect of missense changes on protein structure and function (PolyPhen-2) suggests that this variant is likely to be disruptive. In summary, the available evidence is currently insufficient to determine the role of this variant in disease. Therefore, it has been classified as a Variant of Uncertain Significance.

NM_024741.3(ZNF408):c.1480A>G (p.Lys494Glu)

Gene: ZNF408 (zinc finger protein 408; plus strand). Cytogenetic location: 11p11.2.
Variant type: single nucleotide variant.
Coding change: c.1480A>G on transcript NM_024741.3 (MANE Select); coding-DNA position 1480, A replaced by G.
Protein change: p.Lys494Glu; replaces lysine 494 with glutamic acid.
Molecular consequence: missense variant.
Genome position (GRCh38, 1-based): chr11:46,705,180, A>G. VCF-style: chr11-46705180-A-G. GRCh37 (hg19) VCF-style: chr11-46726730-A-G.
Other names: c.1456A>G, p.Lys486Glu (NM_001184751.2); short protein forms K486E, K494E.
Identifiers: ClinVar variation 2046639 (VCV002046639.4), dbSNP rs2064742111, ClinGen allele CA380256195.
Genomic context (GRCh38, chr11:46,705,180, plus strand): 5'-GGGCGGCCCCTGGCCAACCAGGGCTCCCTGCGGAACCATATGAGGCTCCATACAGGAGAA[A>G]AGCCTTTCCTGTGCCCGCACTGTGGCCGGGCGTTTCGTCAGCGGGGCAACCTGCGTGGGC-3'
Protein context (NP_079017.1, residues 484-504): RNHMRLHTGE[Lys494Glu]PFLCPHCGRA